The following is an entry in ClinVar:

ClinVar aggregate classification (germline): Uncertain significance (1 of 4 stars; one submission).

Conditions:
Hereditary spastic paraplegia 54. Also called: Spastic paraplegia 54, autosomal recessive. Identifiers: Orphanet 320380, MedGen C3539495, MONDO:0014018, OMIM 615033.

Allele frequency attached by ClinVar (database versions not stated): gnomAD exomes 0.00001; ExAC 0.00002.
gnomAD v4.1: 10 of 1,558,394 alleles (0.00064%); highest among the groups gnomAD compares: South Asian, 0.0024%; no homozygotes.

Submission:

Labcorp Genetics (formerly Invitae), Labcorp
Classification: Uncertain significance for Hereditary spastic paraplegia 54. Last evaluated: 2024-10-22. Review status: criteria provided, single submitter. Criteria: Invitae Variant Classification Sherloc (09022015). Collection method: clinical testing. Allele origin: germline.
Comment: This sequence change replaces threonine, which is neutral and polar, with alanine, which is neutral and non-polar, at codon 387 of the DDHD2 protein (p.Thr387Ala). The frequency data for this variant in the population databases is considered unreliable, as metrics indicate poor data quality at this position in the gnomAD database. This variant has not been reported in the literature in individuals affected with DDHD2-related conditions. ClinVar contains an entry for this variant (Variation ID: 2178402). Invitae Evidence Modeling of protein sequence and biophysical properties (such as structural, functional, and spatial information, amino acid conservation, physicochemical variation, residue mobility, and thermodynamic stability) indicates that this missense variant is not expected to disrupt DDHD2 protein function with a negative predictive value of 80%. In summary, the available evidence is currently insufficient to determine the role of this variant in disease. Therefore, it has been classified as a Variant of Uncertain Significance.

NM_015214.3(DDHD2):c.1159A>G (p.Thr387Ala)

Gene: DDHD2 (DDHD domain containing 2; plus strand). Cytogenetic location: 8p11.23.
Variant type: single nucleotide variant.
Coding change: c.1159A>G on transcript NM_015214.3 (MANE Select); coding-DNA position 1159, A replaced by G.
Protein change: p.Thr387Ala; replaces threonine 387 with alanine.
Molecular consequence: missense variant. On other transcripts: non-coding transcript variant (2).
Genome position (GRCh38, 1-based): chr8:38,247,746, A>G. VCF-style: chr8-38247746-A-G. GRCh37 (hg19) VCF-style: chr8-38105264-A-G.
Other names: c.1159A>G, p.Thr387Ala (NM_001164232.2, NM_001362911.2, NM_001362912.2 and 1 more transcripts); c.1069A>G, p.Thr357Ala (NM_001362913.2); short protein forms T387A, T357A.
Identifiers: ClinVar variation 2178402 (VCV002178402.4), dbSNP rs746803670, ClinGen allele CA4716174.